The following is an entry in ClinVar:

NM_004985.5(KRAS):c.179G>T (p.Gly60Val)

Gene: KRAS (KRas proto-oncogene, GTPase; minus strand). Cytogenetic location: 12p12.1.
Variant type: single nucleotide variant.
Coding change: c.179G>T on transcript NM_004985.5 (MANE Select); coding-DNA position 179, G replaced by T.
Protein change: p.Gly60Val; replaces glycine 60 with valine.
Molecular consequence: missense variant.
Genome position (GRCh38, 1-based): chr12:25,227,345, C>A on the plus strand (G>T on the coding strand, the complement: KRAS is on the minus strand). VCF-style: chr12-25227345-C-A. GRCh37 (hg19) VCF-style: chr12-25380279-C-A.
Other names: p.G60V:GGT>GTT; c.179G>T, p.Gly60Val (NM_001369786.1, NM_001369787.1, NM_033360.4); short protein forms G60V.
Identifiers: ClinVar variation 163766 (VCV000163766.14), dbSNP rs727503108, ClinGen allele CA176493.

ClinVar aggregate classification (germline): Pathogenic/Likely pathogenic. Review status: criteria provided, multiple submitters, no conflicts (2 of 4 stars). 7 submissions from 6 submitters: Pathogenic (4); Likely pathogenic (1). 2 of the submissions do not count toward it. Last evaluated 2025-04-29.

Conditions:
Noonan syndrome (NS). Also called: Noonan's syndrome. Identifiers: Orphanet 648, MedGen C0028326, MeSH D009634, MONDO:0018997. Disease mechanism: gain of function.
Cardio-facio-cutaneous syndrome. Also called: Cardiofaciocutaneous syndrome; CFC syndrome. Identifiers: Orphanet 1340, MedGen C1275081, MONDO:0015280. Disease mechanism: gain of function.
RASopathy. Also called: Noonan spectrum disorder; rasopathies. Identifiers: Orphanet 536391, MedGen C5555857, MONDO:0021060.
Non-small cell lung carcinoma (NSCLC). Also called: Non-small cell lung cancer. Identifiers: MedGen C0007131, MeSH D002289, MONDO:0005233, HP:0030358. Disease mechanism: Other.

Allele frequency attached by ClinVar (database versions not stated): gnomAD exomes below 0.00001.
gnomAD v4.1: 3 of 1,614,068 alleles (0.00019%); highest among the groups gnomAD compares: Non-Finnish European, 0.00025%; no homozygotes.

Submissions (7):

Revvity Omics, Revvity
Classification: Pathogenic. Last evaluated: 2025-04-29. Review status: criteria provided, single submitter. Criteria: ACMG Guidelines, 2015. Collection method: clinical testing. Allele origin: germline.

Mayo Clinic Laboratories, Mayo Clinic
Classification: Pathogenic. Last evaluated: 2024-01-23. Review status: criteria provided, single submitter. Criteria: ACMG Guidelines, 2015. Collection method: clinical testing. Allele origin: germline. Observed: 16 variant alleles.
Comment: PP2, PP3, PM1, PM2, PM5, PS2, PS4

GeneDx
Classification: Pathogenic. Last evaluated: 2022-09-13. Review status: criteria provided, single submitter. Criteria: GeneDx Variant Classification Process June 2021. Collection method: clinical testing. Allele origin: germline. Affected: yes.
Comment: In silico analysis supports that this missense variant has a deleterious effect on protein structure/function; Missense variants in this gene are often considered pathogenic (HGMD); This variant is associated with the following publications: (PMID: 20926413, 28639239, 33142350, 24382853, 23548132, 34958143, 19396835, 30732632, 16474404, 26242988)

Labcorp Genetics (formerly Invitae), Labcorp
Classification: Pathogenic for RASopathy. Last evaluated: 2022-07-26. Review status: criteria provided, single submitter. Criteria: Invitae Variant Classification Sherloc (09022015). Collection method: clinical testing. Allele origin: germline.
Comment: For these reasons, this variant has been classified as Pathogenic. This variant disrupts the p.Gly60 amino acid residue in KRAS. Other variant(s) that disrupt this residue have been determined to be pathogenic (PMID: 19396835, 30732632). This suggests that this residue is clinically significant, and that variants that disrupt this residue are likely to be disease-causing. Algorithms developed to predict the effect of sequence changes on RNA splicing suggest that this variant may disrupt the consensus splice site. Advanced modeling of protein sequence and biophysical properties (such as structural, functional, and spatial information, amino acid conservation, physicochemical variation, residue mobility, and thermodynamic stability) performed at Invitae indicates that this missense variant is expected to disrupt KRAS protein function. ClinVar contains an entry for this variant (Variation ID: 163766). This missense change has been observed in individual(s) with Noonan syndrome (PMID: 24382853). In at least one individual the variant was observed to be de novo. This variant is present in population databases (rs727503108, gnomAD 0.0009%). This sequence change replaces glycine, which is neutral and non-polar, with valine, which is neutral and non-polar, at codon 60 of the KRAS protein (p.Gly60Val).

AiLife Diagnostics
Classification: Likely pathogenic. Last evaluated: 2021-10-26. Review status: criteria provided, single submitter. Criteria: ACMG Guidelines, 2015. Collection method: clinical testing. Allele origin: germline. Affected: yes. Observed: 1 variant allele.

Laboratory for Molecular Medicine, Mass General Brigham Personalized Medicine
Classification: Likely pathogenic for Non-small cell lung carcinoma. Last evaluated: 2013-07-19. Review status: no assertion criteria provided. Collection method: clinical testing. Allele origin: somatic. Inheritance: Somatic mutation. Observed: 2 variant alleles. Not counted in ClinVar's aggregate classification.

Laboratory for Molecular Medicine, Mass General Brigham Personalized Medicine
Classification: Likely pathogenic for Noonan syndrome; Cardio-facio-cutaneous syndrome. Last evaluated: 2013-07-19. Review status: no assertion criteria provided. Collection method: clinical testing. Allele origin: germline. Inheritance: Autosomal dominant inheritance. Observed: 2 variant alleles. Not counted in ClinVar's aggregate classification.
Comment: The Gly60Val variant in KRAS has not been previously identified in our laborator y, nor has this specific variant been reported in the literature in individuals with clinical features of Noonan spectrum disorders. However, two different amin o acid changes at the same codon, Gly60Arg and Gly60Ser, have been reported in t wo individuals with Cardio-facio-cutaneous syndrome and Noonan syndrome, respect ively (CFC; Niihori 2006, Kratz 2009). Parental testing confirmed the Gly60Ser h ad occured de novo in that patient (Kratz 2009). This variant has been observed to occur as a somatic change in two metastatic colorectal cancer tissues and ot her variants at this codon have been identified as somatic changes in other tiss ue types (Okayama 2011, Guedes 2013, COSMIC database). Functional studies sugges t the Gly60 is an important residue since it interacts with ?-phosphate of GTP a nd is a conserved amino acid across the superfamily of GTPases (Guedes 2013). Fu rthermore, this variant was absent in large, ethnically-distinct populations. Co mputational analyses (biochemical amino acid properties, conservation, AlignGVGD , PolyPhen2, and SIFT) suggest that the Gly60Val variant may impact the protein, though this information is not predictive enough to determine pathogenicity. In summary, this variant is likely pathogenic, though additional studies are requi red to fully establish its clinical significance.

Literature cited by the submitters: PubMed 16474404 (cited by Mayo Clinic Laboratories, Mayo Clinic and Laboratory for Molecular Medicine, Mass General Brigham Personalized Medicine); PubMed 19396835 (cited by 3 submitters); PubMed 24382853 (cited by 3 submitters); PubMed 31573083 (cited by Mayo Clinic Laboratories, Mayo Clinic); PubMed 33142350 (cited by Mayo Clinic Laboratories, Mayo Clinic); PubMed 34958143 (cited by Mayo Clinic Laboratories, Mayo Clinic); PubMed 30732632 (cited by Labcorp Genetics (formerly Invitae), Labcorp); PubMed 20926413 (cited by Laboratory for Molecular Medicine, Mass General Brigham Personalized Medicine); PubMed 23548132 (cited by Laboratory for Molecular Medicine, Mass General Brigham Personalized Medicine).